The following is an entry in ClinVar:

NM_025114.4(CEP290):c.871C>A (p.Leu291Ile)

Gene: CEP290 (centrosomal protein 290; minus strand). Cytogenetic location: 12q21.32.
Variant type: single nucleotide variant.
Coding change: c.871C>A on transcript NM_025114.4 (MANE Select); coding-DNA position 871, C replaced by A.
Protein change: p.Leu291Ile; replaces leucine 291 with isoleucine.
Molecular consequence: missense variant.
Genome position (GRCh38, 1-based): chr12:88,129,017, G>T on the plus strand (C>A on the coding strand, the complement: CEP290 is on the minus strand). VCF-style: chr12-88129017-G-T. GRCh37 (hg19) VCF-style: chr12-88522794-G-T.
Other names: short protein forms L291I.
Identifiers: ClinVar variation 2041151 (VCV002041151.1), dbSNP rs2501430974, ClinGen allele CA385983994.

ClinVar aggregate classification (germline): Uncertain significance (1 of 4 stars; one submission).

Conditions:
Joubert syndrome. Also called: CEREBELLOPARENCHYMAL DISORDER IV; JOUBERT-BOLTSHAUSER SYNDROME; Familial aplasia of the vermis. Identifiers: Orphanet 475, MedGen C5979921, MONDO:0018772.
Nephronophthisis. Also called: Juvenile Nephronophthisis. Identifiers: Orphanet 655, MedGen C0687120, MONDO:0019005, HP:0000090.
Meckel-Gruber syndrome. Also called: DYSENCEPHALIA SPLANCHNOCYSTICA; GRUBER SYNDROME; Dysencephalia splachnocystica. Identifiers: Orphanet 564, MedGen C0265215, MONDO:0018921.

Submission:

Labcorp Genetics (formerly Invitae), Labcorp
Classification: Uncertain significance for Joubert syndrome; Meckel-Gruber syndrome; Nephronophthisis. Last evaluated: 2022-03-20. Review status: criteria provided, single submitter. Criteria: Invitae Variant Classification Sherloc (09022015). Collection method: clinical testing. Allele origin: germline.
Comment: This sequence change replaces leucine, which is neutral and non-polar, with isoleucine, which is neutral and non-polar, at codon 291 of the CEP290 protein (p.Leu291Ile). This variant is not present in population databases (gnomAD no frequency). This variant has not been reported in the literature in individuals affected with CEP290-related conditions. Algorithms developed to predict the effect of missense changes on protein structure and function (SIFT, PolyPhen-2, Align-GVGD) all suggest that this variant is likely to be tolerated. In summary, the available evidence is currently insufficient to determine the role of this variant in disease. Therefore, it has been classified as a Variant of Uncertain Significance.